The following is an entry in ClinVar:

ClinVar aggregate classification (germline): Uncertain significance (1 of 4 stars; one submission).

Submission:

Dasa
Classification: Uncertain significance. Last evaluated: 2024-08-20. Review status: criteria provided, single submitter. Criteria: DASA Assertion Criteria. Collection method: clinical testing. Allele origin: germline.
Comment: NM_001378183.1(PIEZO2):c.8088A>G (p.Ile2696Met) is a missense variant that results in the substitution of isoleucine with methionine. This variant is absent from population databases. The currently available literature and clinical evidence are not sufficient to establish a definitive association between this variant and the reported condition. Therefore, this variant is classified as a variant of uncertain significance.

NM_001378183.1(PIEZO2):c.8088A>G (p.Ile2696Met)

Gene: PIEZO2 (piezo type mechanosensitive ion channel component 2; minus strand). Cytogenetic location: 18p11.22.
Variant type: single nucleotide variant.
Coding change: c.8088A>G on transcript NM_001378183.1 (MANE Select); coding-DNA position 8088, A replaced by G.
Protein change: p.Ile2696Met; replaces isoleucine 2696 with methionine.
Molecular consequence: missense variant.
Genome position (GRCh38, 1-based): chr18:10,675,282, T>C on the plus strand (A>G on the coding strand, the complement: PIEZO2 is on the minus strand). VCF-style: chr18-10675282-T-C. GRCh37 (hg19) VCF-style: chr18-10675279-T-C.
Other names: c.7824A>G, p.Ile2608Met (NM_001410871.1); c.7749A>G, p.Ile2583Met (NM_022068.4); short protein forms I2583M, I2608M, I2696M.
Identifiers: ClinVar variation 4883528 (VCV004883528.2).
Genomic context (GRCh38, chr18:10,675,282, plus strand): 5'-CTTTATAGGTTTTGAGTTAGAATCACTAGGTGCTTTCACATAATATGGATAAATCTTTTC[T>C]ATGGTCCTGTACATTAAGAAAAAAAAGATACAATTACGTTTTAGTTGTTTTACCCACCTA-3'
Protein context (NP_001365112.1, residues 2686-2706): STESSKTPVT[Ile2696Met]EKIYPYYVKA